The following is an entry in ClinVar:

ClinVar aggregate classification (germline): Uncertain significance. Review status: criteria provided, multiple submitters, no conflicts (2 of 4 stars). 2 submissions from 2 submitters: Uncertain significance (2). Last evaluated 2024-10-08.

Conditions:
Argininosuccinate lyase deficiency. Also called: Argininosuccinic aciduria; ARGININOSUCCINIC ACID LYASE DEFICIENCY; ASL DEFICIENCY. Identifiers: Orphanet 23, MedGen C0268547, MONDO:0008815, OMIM 207900, HP:0025630.

Allele frequency attached by ClinVar (database versions not stated): gnomAD 0.00001 and 0.00003; gnomAD exomes 0.00003 and 0.00008; ExAC 0.00008; TOPMed 0.00009.
gnomAD v4.1: 49 of 1,613,472 alleles (0.003%); highest among the groups gnomAD compares: East Asian, 0.1%; 1 homozygote.

Submissions (2):

Labcorp Genetics (formerly Invitae), Labcorp
Classification: Uncertain significance for Argininosuccinate lyase deficiency. Last evaluated: 2024-10-08. Review status: criteria provided, single submitter. Criteria: Invitae Variant Classification Sherloc (09022015). Collection method: clinical testing. Allele origin: germline.
Comment: This sequence change replaces leucine, which is neutral and non-polar, with proline, which is neutral and non-polar, at codon 440 of the ASL protein (p.Leu440Pro). This variant is present in population databases (rs752915686, gnomAD 0.1%). This missense change has been observed in individual(s) with argininosuccinate lyase deficiency (PMID: 37865865). In at least one individual the data is consistent with being in trans (on the opposite chromosome) from a pathogenic variant. ClinVar contains an entry for this variant (Variation ID: 1101753). Invitae Evidence Modeling of protein sequence and biophysical properties (such as structural, functional, and spatial information, amino acid conservation, physicochemical variation, residue mobility, and thermodynamic stability) has been performed for this missense variant. However, the output from this modeling did not meet the statistical confidence thresholds required to predict the impact of this variant on ASL protein function. Experimental studies are conflicting or provide insufficient evidence to determine the effect of this variant on ASL function (PMID: 37865865). In summary, the available evidence is currently insufficient to determine the role of this variant in disease. Therefore, it has been classified as a Variant of Uncertain Significance.

Women's Health and Genetics/Laboratory Corporation of America, LabCorp
Classification: Uncertain significance. Last evaluated: 2024-08-12. Review status: criteria provided, single submitter. Criteria: LabCorp Variant Classification Summary - May 2015. Collection method: clinical testing. Allele origin: germline.
Comment: Variant summary: ASL c.1319T>C (p.Leu440Pro) results in a non-conservative amino acid change in the encoded protein sequence. Three of five in-silico tools predict a damaging effect of the variant on protein function. The variant allele was found at a frequency of 3e-05 in 1613472 control chromosomes in the gnomAD database, including 1 homozygotes. This frequency is not significantly higher than estimated for a pathogenic variant in ASL causing Argininosuccinic Aciduria (3e-05 vs 0.0042), allowing no conclusion about variant significance. c.1319T>C has been reported in the literature in at-least one individual affected with Argininosuccinic Aciduria (example: Heng_2024). These data do not allow any conclusion about variant significance. At least one publication reports experimental evidence evaluating an impact on protein function. The most pronounced variant effect results in 35% loss of activity compared to the WT (example: Heng_2024). The following publication has been ascertained in the context of this evaluation (PMID: 37865865). ClinVar contains an entry for this variant (Variation ID: 1101753). Based on the evidence outlined above, the variant was classified as uncertain significance.

Literature cited by the submitters: PubMed 37865865 (cited by Labcorp Genetics (formerly Invitae), Labcorp and Women's Health and Genetics/Laboratory Corporation of America, LabCorp).

NM_000048.4(ASL):c.1319T>C (p.Leu440Pro)

Gene: ASL (argininosuccinate lyase; plus strand). Cytogenetic location: 7q11.21.
Variant type: single nucleotide variant.
Coding change: c.1319T>C on transcript NM_000048.4 (MANE Select); coding-DNA position 1319, T replaced by C.
Protein change: p.Leu440Pro; replaces leucine 440 with proline.
Molecular consequence: missense variant.
Genome position (GRCh38, 1-based): chr7:66,092,836, T>C. VCF-style: chr7-66092836-T-C. GRCh37 (hg19) VCF-style: chr7-65557823-T-C.
Other names: c.1319T>C, p.Leu440Pro (NM_001024943.2); c.1259T>C, p.Leu420Pro (NM_001024944.2); c.1241T>C, p.Leu414Pro (NM_001024946.2); short protein forms L414P, L420P, L440P.
Identifiers: ClinVar variation 1101753 (VCV001101753.9), dbSNP rs752915686, ClinGen allele CA4277387.